The following is an entry in ClinVar:

NM_012120.3(CD2AP):c.1786A>G (p.Ile596Val)

Gene: CD2AP (CD2 associated protein; plus strand). Cytogenetic location: 6p12.3.
Variant type: single nucleotide variant.
Coding change: c.1786A>G on transcript NM_012120.3 (MANE Select); coding-DNA position 1786, A replaced by G.
Protein change: p.Ile596Val; replaces isoleucine 596 with valine.
Molecular consequence: missense variant.
Genome position (GRCh38, 1-based): chr6:47,609,276, A>G. VCF-style: chr6-47609276-A-G. GRCh37 (hg19) VCF-style: chr6-47577012-A-G.
Other names: short protein forms I596V.
Identifiers: ClinVar variation 3140496 (VCV003140496.2), dbSNP rs775183449, ClinGen allele CA3844451.

ClinVar aggregate classification (germline): Uncertain significance. Review status: criteria provided, multiple submitters, no conflicts (2 of 4 stars). 2 submissions from 2 submitters: Uncertain significance (2). Last evaluated 2025-04-10.

Conditions:
Inborn genetic diseases. Identifiers: MedGen C0950123, MeSH D030342.

Allele frequency attached by ClinVar (database versions not stated): gnomAD 0.00002; TOPMed 0.00002; gnomAD exomes 0.00004; ExAC 0.00009.
gnomAD v4.1: 59 of 1,613,508 alleles (0.0037%); highest among the groups gnomAD compares: Admixed American, 0.025%; no homozygotes.

Submissions (2):

Labcorp Genetics (formerly Invitae), Labcorp
Classification: Uncertain significance. Last evaluated: 2025-04-10. Review status: criteria provided, single submitter. Criteria: Invitae Variant Classification Sherloc (09022015). Collection method: clinical testing. Allele origin: germline.
Comment: This sequence change replaces isoleucine, which is neutral and non-polar, with valine, which is neutral and non-polar, at codon 596 of the CD2AP protein (p.Ile596Val). This variant is present in population databases (rs775183449, gnomAD 0.04%). This variant has not been reported in the literature in individuals affected with CD2AP-related conditions. ClinVar contains an entry for this variant (Variation ID: 3140496). Invitae Evidence Modeling of protein sequence and biophysical properties (such as structural, functional, and spatial information, amino acid conservation, physicochemical variation, residue mobility, and thermodynamic stability) indicates that this missense variant is not expected to disrupt CD2AP protein function with a negative predictive value of 80%. In summary, the available evidence is currently insufficient to determine the role of this variant in disease. Therefore, it has been classified as a Variant of Uncertain Significance.

Ambry Genetics
Classification: Uncertain significance for Inborn genetic diseases. Last evaluated: 2023-10-16. Review status: criteria provided, single submitter. Criteria: Ambry Variant Classification Scheme 2023. Collection method: clinical testing. Allele origin: germline.